The following is an entry in ClinVar:

NM_002439.5(MSH3):c.792+3A>G

Gene: MSH3 (mutS homolog 3; plus strand). Cytogenetic location: 5q14.1.
Variant type: single nucleotide variant.
Coding change: c.792+3A>G on transcript NM_002439.5 (MANE Select); 3 bases into the intron after coding-DNA position 792, A replaced by G.
Molecular consequence: intron variant.
Genome position (GRCh38, 1-based): chr5:80,670,312, A>G. VCF-style: chr5-80670312-A-G. GRCh37 (hg19) VCF-style: chr5-79966131-A-G.
Identifiers: ClinVar variation 640203 (VCV000640203.21), dbSNP rs1245725634, ClinGen allele CA560769338.

ClinVar aggregate classification (germline): Conflicting classifications of pathogenicity. Review status: criteria provided, conflicting classifications (1 of 4 stars). 4 submissions from 4 submitters: Uncertain significance (1); Likely benign (3). Last evaluated 2025-12-17.

Conditions:
Hereditary cancer-predisposing syndrome. Also called: Neoplastic Syndromes, Hereditary; Tumor predisposition; Hereditary neoplastic syndrome; Hereditary Cancer Syndrome. Identifiers: Orphanet 140162, MedGen C0027672, MeSH D009386, MONDO:0015356.
MSH3-related disorder. Also called: MSH3-related condition.

Allele frequency attached by ClinVar (database versions not stated): gnomAD 0.00001; TOPMed 0.00001; gnomAD exomes 0.00002.
gnomAD v4.1: 16 of 1,613,614 alleles (0.00099%); highest among the groups gnomAD compares: Non-Finnish European, 0.0014%; no homozygotes.

Submissions (4):

Labcorp Genetics (formerly Invitae), Labcorp
Classification: Likely benign. Last evaluated: 2025-12-17. Review status: criteria provided, single submitter. Criteria: Invitae Variant Classification Sherloc (09022015). Collection method: clinical testing. Allele origin: germline.

Ambry Genetics
Classification: Uncertain significance for Hereditary cancer-predisposing syndrome. Last evaluated: 2025-07-03. Review status: criteria provided, single submitter. Criteria: Ambry Variant Classification Scheme 2023. Collection method: clinical testing. Allele origin: germline.
Comment: The c.792+3A>G intronic variant results from an A to G substitution 3 nucleotides after coding exon 4 in the MSH3 gene. This nucleotide position is not well conserved in available vertebrate species. In silico splice site analysis predicts that this alteration will not have any significant effect on splicing. Based on the available evidence, the clinical significance of this variant remains unclear.

PreventionGenetics, part of Exact Sciences
Classification: Likely benign for MSH3-related condition. Last evaluated: 2025-06-13. Review status: criteria provided, single submitter. Criteria: ACMG Guidelines, 2015. Collection method: clinical testing. Allele origin: germline.
Comment: This variant is classified as likely benign based on ACMG/AMP sequence variant interpretation guidelines (Richards et al. 2015 PMID: 25741868, with internal and published modifications).

ARUP Laboratories, Molecular Genetics and Genomics, ARUP Laboratories
Classification: Likely benign. Last evaluated: 2020-01-07. Review status: criteria provided, single submitter. Criteria: ARUP Molecular Germline Variant Investigation Process. Collection method: clinical testing. Allele origin: germline.